The following is an entry in ClinVar:

NM_015910.7(WDPCP):c.296A>G (p.Lys99Arg)

Gene: WDPCP (WD repeat containing planar cell polarity effector; minus strand). Cytogenetic location: 2p15.
Variant type: single nucleotide variant.
Coding change: c.296A>G on transcript NM_015910.7 (MANE Select); coding-DNA position 296, A replaced by G.
Protein change: p.Lys99Arg; replaces lysine 99 with arginine.
Molecular consequence: missense variant. On other transcripts: non-coding transcript variant (2).
Genome position (GRCh38, 1-based): chr2:63,484,945, T>C on the plus strand (A>G on the coding strand, the complement: WDPCP is on the minus strand). VCF-style: chr2-63484945-T-C. GRCh37 (hg19) VCF-style: chr2-63712079-T-C.
Other names: c.224A>G, p.Lys75Arg (NM_001354044.2); c.296A>G, p.Lys99Arg (NM_001354045.2); short protein forms K75R, K99R.
Identifiers: ClinVar variation 2165660 (VCV002165660.4), dbSNP rs772670414, ClinGen allele CA1682535.
Genomic context (GRCh38, chr2:63,484,945, plus strand): 5'-TGTTGCCATTTTTGAAACTTTTTGAAAGATACCTCCAACTCTTTGAGCGAGTCTCGGAGT[T>C]TTTCTGGGCGTCTGTTTTTGAGCGTCCAAGGATAATCTCGTGCTGGCAAATAAAACATGT-3'
Protein context (NP_056994.3, residues 89-109): PWTLKNRRPE[Lys99Arg]LRDSLKELEE

ClinVar aggregate classification (germline): Uncertain significance (1 of 4 stars; one submission).

Conditions:
Bardet-Biedl syndrome (BBS). Identifiers: Orphanet 110, MedGen C0752166, MONDO:0015229.

Allele frequency attached by ClinVar (database versions not stated): gnomAD exomes below 0.00001; ExAC 0.00001.
gnomAD v4.1: 2 of 1,612,618 alleles (0.00012%); highest among the groups gnomAD compares: Non-Finnish European, 0.000085%; no homozygotes.

Submission:

Labcorp Genetics (formerly Invitae), Labcorp
Classification: Uncertain significance for Bardet-Biedl syndrome. Last evaluated: 2022-10-13. Review status: criteria provided, single submitter. Criteria: Invitae Variant Classification Sherloc (09022015). Collection method: clinical testing. Allele origin: germline.
Comment: In summary, the available evidence is currently insufficient to determine the role of this variant in disease. Therefore, it has been classified as a Variant of Uncertain Significance. Advanced modeling of protein sequence and biophysical properties (such as structural, functional, and spatial information, amino acid conservation, physicochemical variation, residue mobility, and thermodynamic stability) performed at Invitae indicates that this missense variant is not expected to disrupt WDPCP protein function. This variant has not been reported in the literature in individuals affected with WDPCP-related conditions. This variant is present in population databases (rs772670414, gnomAD 0.01%). This sequence change replaces lysine, which is basic and polar, with arginine, which is basic and polar, at codon 99 of the WDPCP protein (p.Lys99Arg).